The following is an entry in ClinVar:

ClinVar aggregate classification (germline): Likely benign. Review status: criteria provided, single submitter (1 of 4 stars). 2 submissions from 2 submitters: Likely benign (1). 1 of the submissions does not count toward it. Last evaluated 2023-05-11.

Conditions:
EGF-related disorder. Also called: EGF-related condition.

Allele frequency attached by ClinVar (database versions not stated): gnomAD 0.00002; gnomAD exomes 0.00003; TOPMed 0.00003; ExAC 0.00007.
gnomAD v4.1: 55 of 1,613,784 alleles (0.0034%); highest among the groups gnomAD compares: African/African-American, 0.019%; 1 homozygote.

Submissions (2):

Labcorp Genetics (formerly Invitae), Labcorp
Classification: Likely benign. Last evaluated: 2023-05-11. Review status: criteria provided, single submitter. Criteria: Invitae Variant Classification Sherloc (09022015). Collection method: clinical testing. Allele origin: germline.

PreventionGenetics, part of Exact Sciences
Classification: Likely benign for EGF-related condition. Last evaluated: 2019-09-19. Review status: no assertion criteria provided. Collection method: clinical testing. Allele origin: germline. Not counted in ClinVar's aggregate classification.
Comment: This variant is classified as likely benign based on ACMG/AMP sequence variant interpretation guidelines (Richards et al. 2015 PMID: 25741868, with internal and published modifications).

NM_001963.6(EGF):c.1446A>G (p.Gln482=)

Gene: EGF (epidermal growth factor; plus strand). Cytogenetic location: 4q25.
Variant type: single nucleotide variant.
Coding change: c.1446A>G on transcript NM_001963.6 (MANE Select); coding-DNA position 1446, A replaced by G.
Protein change: p.Gln482=; no amino-acid change (glutamine 482 retained).
Molecular consequence: synonymous variant.
Genome position (GRCh38, 1-based): chr4:109,964,408, A>G. VCF-style: chr4-109964408-A-G. GRCh37 (hg19) VCF-style: chr4-110885564-A-G.
Other names: c.1446A>G (NM_001963.5); c.1446A>G, p.Gln482= (NM_001178130.3); c.1320A>G, p.Gln440= (NM_001178131.3, NM_001357021.2).
Identifiers: ClinVar variation 1924365 (VCV001924365.7), dbSNP rs374675155, ClinGen allele CA3043690.
Genomic context (GRCh38, chr4:109,964,408, plus strand): 5'-TTAGTTTCTAAGGCACGTTTTAAATTCAGCCATATTTGAAATTTGGTTAACAGGACCACA[A>G]CCATTTTTGCTGTTTGCCAATTCTCAAGATATTCGACACATGCATTTTGATGGAACAGAC-3'
Protein context (NP_001954.2, residues 472-492): DEKSCAASGP[Gln482=]PFLLFANSQD